The following is an entry in ClinVar:

ClinVar aggregate classification (germline): Uncertain significance (1 of 4 stars; one submission).

Conditions:
Congenital myotonia, autosomal recessive form. Also called: BECKER DISEASE; Becker Generalized Myotonia; myotonia congenita, autosomal recessive. Identifiers: Orphanet 614, MedGen C0751360, MONDO:0009715, OMIM 255700.
Congenital myotonia, autosomal dominant form (THD). Also called: THOMSEN DISEASE; Myotonia congenita autosomal dominant. Identifiers: Orphanet 614, MedGen C2936781, MONDO:0008055, OMIM 160800.

Submission:

Labcorp Genetics (formerly Invitae), Labcorp
Classification: Uncertain significance for Congenital myotonia, autosomal recessive form; Congenital myotonia, autosomal dominant form. Last evaluated: 2021-12-23. Review status: criteria provided, single submitter. Criteria: Invitae Variant Classification Sherloc (09022015). Collection method: clinical testing. Allele origin: germline.
Comment: This sequence change replaces leucine, which is neutral and non-polar, with phenylalanine, which is neutral and non-polar, at codon 207 of the CLCN1 protein (p.Leu207Phe). This variant is not present in population databases (gnomAD no frequency). This variant has not been reported in the literature in individuals affected with CLCN1-related conditions. Advanced modeling of protein sequence and biophysical properties (such as structural, functional, and spatial information, amino acid conservation, physicochemical variation, residue mobility, and thermodynamic stability) performed at Invitae indicates that this missense variant is expected to disrupt CLCN1 protein function. In summary, the available evidence is currently insufficient to determine the role of this variant in disease. Therefore, it has been classified as a Variant of Uncertain Significance.

NM_000083.3(CLCN1):c.619C>T (p.Leu207Phe)

Gene: CLCN1 (chloride voltage-gated channel 1; plus strand). Cytogenetic location: 7q34.
Variant type: single nucleotide variant.
Coding change: c.619C>T on transcript NM_000083.3 (MANE Select); coding-DNA position 619, C replaced by T.
Protein change: p.Leu207Phe; replaces leucine 207 with phenylalanine.
Molecular consequence: missense variant. On other transcripts: non-coding transcript variant (1).
Genome position (GRCh38, 1-based): chr7:143,321,771, C>T. VCF-style: chr7-143321771-C-T. GRCh37 (hg19) VCF-style: chr7-143018864-C-T.
Other names: short protein forms L207F.
Identifiers: ClinVar variation 2052175 (VCV002052175.4), dbSNP rs2487033957, ClinGen allele CA369684606.
Genomic context (GRCh38, chr7:143,321,771, plus strand): 5'-TTAGGCTCTGGAATCCCCGAAATGAAGACAATACTTCGTGGGGTTGTCCTGAAGGAATAC[C>T]TCACAATGAAAGCCTTTGTGGCCAAGGTTGTCGCCCTGACTGCGGGCCTGGGCAGTGGCA-3'
Protein context (NP_000074.3, residues 197-217): ILRGVVLKEY[Leu207Phe]TMKAFVAKVV